The following is an entry in ClinVar:

ClinVar aggregate classification (germline): Benign/Likely benign. Review status: criteria provided, multiple submitters, no conflicts (2 of 4 stars). 10 submissions from 10 submitters: Benign (6); Likely benign (4). Last evaluated 2026-06-12.

Conditions:
Hereditary spastic paraplegia. Also called: Familial spastic paraparesis. Identifiers: Orphanet 685, MedGen C0037773, MONDO:0019064. Disease mechanism: loss of function.
Hereditary spastic paraplegia 7 (SPG7). Also called: Spastic paraplegia 7; Hereditary spastic paraplegia Paraplegin type; Autosomal recessive spastic paraplegia type 7; SPASTIC PARAPLEGIA 7, AUTOSOMAL RECESSIVE, WITH OR WITHOUT CEREBELLAR ATAXIA; SPG7-related neurologic disorder. Identifiers: Orphanet 99013, MedGen C1846564, MONDO:0011803, OMIM 607259.

Allele frequency attached by ClinVar (database versions not stated): gnomAD 0.01334 and 0.01431; TOPMed 0.01552; 1000 Genomes Project 0.01697; 1000 Genomes Project 30x 0.01811; ESP Exome Variant Server 0.01570.
gnomAD v4.1: 3,911 of 1,613,632 alleles (0.24%); highest among the groups gnomAD compares: African/African-American, 4.6%; 86 homozygotes.

Submissions (25):

Women's Health and Genetics/Laboratory Corporation of America, LabCorp
Classification: Likely benign. Last evaluated: 2026-06-12. Review status: criteria provided, single submitter. Criteria: LabCorp Variant Classification Summary - May 2015. Collection method: clinical testing. Allele origin: germline.

Labcorp Genetics (formerly Invitae), Labcorp
Classification: Benign for Hereditary spastic paraplegia 7. Last evaluated: 2026-01-28. Review status: criteria provided, single submitter. Criteria: Invitae Variant Classification Sherloc (09022015). Collection method: clinical testing. Allele origin: germline.

ARUP Laboratories, Molecular Genetics and Genomics, ARUP Laboratories
Classification: Benign for Hereditary spastic paraplegia 7. Last evaluated: 2023-09-21. Review status: criteria provided, single submitter. Criteria: ARUP Molecular Germline Variant Investigation Process 2024. Collection method: clinical testing. Allele origin: germline.

Mayo Clinic Laboratories, Mayo Clinic
Classification: Benign. Last evaluated: 2023-02-13. Review status: criteria provided, single submitter. Criteria: ACMG Guidelines, 2015. Collection method: clinical testing. Allele origin: germline. Observed: 16 variant alleles.
Comment: BS1, BS2, BP4

Genome Diagnostics Laboratory, The Hospital for Sick Children
Classification: Likely benign for Hereditary spastic paraplegia. Last evaluated: 2021-09-01. Review status: criteria provided, single submitter. Criteria: ACMG Guidelines, 2015. Collection method: clinical testing. Allele origin: germline. Affected: yes.

Athena Diagnostics
Classification: Benign. Last evaluated: 2017-12-28. Review status: criteria provided, single submitter. Criteria: Athena Diagnostics Criteria. Collection method: clinical testing. Allele origin: germline.

Illumina Laboratory Services, Illumina
Classification: Likely benign for Hereditary spastic paraplegia 7. Last evaluated: 2017-04-27. Review status: criteria provided, single submitter. Criteria: ICSL Variant Classification Criteria 13 December 2019. Collection method: clinical testing. Allele origin: germline.
Comment: This variant was observed as part of a predisposition screen in an ostensibly healthy population. A literature search was performed for the gene, cDNA change, and amino acid change (where applicable). No publications were found based on this search. Allele frequency data from public databases allowed determination this variant is unlikely to cause disease. Therefore, this variant is classified as likely benign.

GeneDx
Classification: Benign. Last evaluated: 2014-08-01. Review status: criteria provided, single submitter. Criteria: GeneDx Variant Classification (06012015). Collection method: clinical testing. Allele origin: germline. Affected: yes.
Comment: This variant is considered likely benign or benign based on one or more of the following criteria: it is a conservative change, it occurs at a poorly conserved position in the protein, it is predicted to be benign by multiple in silico algorithms, and/or has population frequency not consistent with disease.

Breakthrough Genomics
Classification: Likely benign. Review status: criteria provided, single submitter. Criteria: ACMG Guidelines, 2015. Collection method: not provided. Allele origin: germline. Inheritance: Autosomal recessive inheritance. Affected: yes.

PreventionGenetics, part of Exact Sciences
Classification: Benign. Review status: criteria provided, single submitter. Criteria: ACMG Guidelines, 2015. Collection method: clinical testing. Allele origin: germline.

Dr. Peter K. Rogan Lab, Western University
No classification provided (evidence only). Condition: Clear cell carcinoma of kidney. Review status: no classification provided. Collection method: in vitro. Allele origin: not applicable. Functional consequence: retained intron. Not counted in ClinVar's aggregate classification.

Dr. Peter K. Rogan Lab, Western University
No classification provided (evidence only). Condition: Clear cell carcinoma of kidney. Review status: no classification provided. Collection method: in vitro. Allele origin: not applicable. Functional consequence: retained intron. Not counted in ClinVar's aggregate classification.

Dr. Peter K. Rogan Lab, Western University
No classification provided (evidence only). Condition: Lung cancer. Review status: no classification provided. Collection method: in vitro. Allele origin: not applicable. Functional consequence: retained intron. Not counted in ClinVar's aggregate classification.

Dr. Peter K. Rogan Lab, Western University
No classification provided (evidence only). Condition: Lung cancer. Review status: no classification provided. Collection method: in vitro. Allele origin: not applicable. Functional consequence: retained intron. Not counted in ClinVar's aggregate classification.

Dr. Peter K. Rogan Lab, Western University
No classification provided (evidence only). Condition: Thyroid cancer, nonmedullary, 1. Review status: no classification provided. Collection method: in vitro. Allele origin: not applicable. Functional consequence: retained intron. Not counted in ClinVar's aggregate classification.

Dr. Peter K. Rogan Lab, Western University
No classification provided (evidence only). Condition: Thyroid cancer, nonmedullary, 1. Review status: no classification provided. Collection method: in vitro. Allele origin: not applicable. Functional consequence: retained intron. Not counted in ClinVar's aggregate classification.

Dr. Peter K. Rogan Lab, Western University
No classification provided (evidence only). Condition: Thyroid cancer, nonmedullary, 1. Review status: no classification provided. Collection method: in vitro. Allele origin: not applicable. Functional consequence: retained intron. Not counted in ClinVar's aggregate classification.

Dr. Peter K. Rogan Lab, Western University
No classification provided (evidence only). Condition: Uterine corpus endometrial carcinoma. Review status: no classification provided. Collection method: in vitro. Allele origin: not applicable. Functional consequence: retained intron. Not counted in ClinVar's aggregate classification.

Dr. Peter K. Rogan Lab, Western University
No classification provided (evidence only). Condition: Uterine corpus endometrial carcinoma. Review status: no classification provided. Collection method: in vitro. Allele origin: not applicable. Functional consequence: retained intron. Not counted in ClinVar's aggregate classification.

Dr. Peter K. Rogan Lab, Western University
No classification provided (evidence only). Condition: Uterine corpus endometrial carcinoma. Review status: no classification provided. Collection method: in vitro. Allele origin: not applicable. Functional consequence: retained intron. Not counted in ClinVar's aggregate classification.

Dr. Peter K. Rogan Lab, Western University
No classification provided (evidence only). Condition: Uterine corpus endometrial carcinoma. Review status: no classification provided. Collection method: in vitro. Allele origin: not applicable. Functional consequence: retained intron. Not counted in ClinVar's aggregate classification.

Dr. Peter K. Rogan Lab, Western University
No classification provided (evidence only). Condition: Uterine corpus endometrial carcinoma. Review status: no classification provided. Collection method: in vitro. Allele origin: not applicable. Functional consequence: retained intron. Not counted in ClinVar's aggregate classification.

Dr. Peter K. Rogan Lab, Western University
No classification provided (evidence only). Condition: Cervical cancer. Review status: no classification provided. Collection method: in vitro. Allele origin: not applicable. Functional consequence: retained intron. Not counted in ClinVar's aggregate classification.

Dr. Peter K. Rogan Lab, Western University
No classification provided (evidence only). Condition: Cervical cancer. Review status: no classification provided. Collection method: in vitro. Allele origin: not applicable. Functional consequence: retained intron. Not counted in ClinVar's aggregate classification.

Dr. Peter K. Rogan Lab, Western University
No classification provided (evidence only). Condition: Uterine carcinosarcoma. Review status: no classification provided. Collection method: in vitro. Allele origin: not applicable. Functional consequence: retained intron. Not counted in ClinVar's aggregate classification.

Literature cited by the submitters: PubMed 16534102 (cited by Mayo Clinic Laboratories, Mayo Clinic and Athena Diagnostics).

NM_003119.4(SPG7):c.2188A>G (p.Asn730Asp)

Gene: SPG7 (SPG7 matrix AAA peptidase subunit, paraplegin; plus strand). Cytogenetic location: 16q24.3.
Variant type: single nucleotide variant.
Coding change: c.2188A>G on transcript NM_003119.4 (MANE Select); coding-DNA position 2188, A replaced by G.
Protein change: p.Asn730Asp; replaces asparagine 730 with aspartic acid.
Molecular consequence: missense variant.
Genome position (GRCh38, 1-based): chr16:89,556,893, A>G. VCF-style: chr16-89556893-A-G. GRCh37 (hg19) VCF-style: chr16-89623301-A-G.
Other names: p.N730D:AAC>GAC; c.2396A>G, p.Lys799Arg (NM_001363850.1); short protein forms N730D, K799R.
Identifiers: ClinVar variation 215195 (VCV000215195.30), dbSNP rs35749032, ClinGen allele CA321652.
Genomic context (GRCh38, chr16:89,556,893, plus strand): 5'-GAGATGCTCTGTCTGCCCTGGGGACTCACACACTGCTATGCCTGTTCTTTCTAGCTGGCA[A>G]ACGCCCTTCTGGAAAAGGAAGTGATAAACTATGAGGACATTGAGGCTCTCATTGGCCCGC-3'
Protein context (NP_003110.1, residues 720-740): DNLDKLQALA[Asn730Asp]ALLEKEVINY